The following is an entry in ClinVar:

NM_007294.4(BRCA1):c.678_679insC (p.Glu227fs)

Gene: BRCA1 (BRCA1 DNA repair associated; minus strand). Cytogenetic location: 17q21.31.
Variant type: Insertion.
Coding change: c.678_679insC on transcript NM_007294.4 (MANE Select); coding-DNA positions 678 to 679, C inserted.
Protein change: p.Glu227fs; shifts the reading frame from glutamic acid 227.
Molecular consequence: frameshift variant. On other transcripts: non-coding transcript variant (1).
Genome position: GRCh38 VCF-style: chr17-43094852-C-CG. GRCh37 (hg19) VCF-style: chr17-41246869-C-CG.
Other names: c.537_538insC, p.Glu180Argfs (NM_001407739.1, NM_001407750.1, NM_001407751.1 and 42 more transcripts); c.534_535insC, p.Glu179Argfs (NM_001407740.1, NM_001407741.1, NM_001407742.1 and 26 more transcripts); c.465_466insC, p.Glu156Argfs (NM_001407853.1, NM_001407894.1, NM_001407895.1 and 12 more transcripts); c.678_679insC, p.Glu227Argfs (NM_001407854.1, NM_001407858.1, NM_001407859.1 and 52 more transcripts); c.675_676insC, p.Glu226Argfs (NM_001407860.1, NM_001407861.1, NM_001407587.1 and 38 more transcripts); c.477_478insC, p.Glu160Argfs (NM_001407862.1, NM_001408474.1, NM_001408476.1); c.555_556insC, p.Glu186Argfs (NM_001407863.1, NM_001407919.1, NM_001407937.1 and 34 more transcripts); c.474_475insC, p.Glu159Argfs (NM_001407874.1, NM_001407875.1, NM_001408475.1); and 16 more; short protein forms E180fs, E227fs.
Identifiers: ClinVar variation 548296 (VCV000548296.2), dbSNP rs1555593321, ClinGen allele CA658824559.
Genomic context (GRCh38, chr17:43,094,852, plus strand): 5'-TCAAATCATTATTACTGGGTTGATGATGTTCAGTATTTGTTACATCCGTCTCAGAAAATT[C>CG]ACAAGCAGCTGAAAATATACAAAAATAACAAGGTACTCAAAAACTGAATTGTCATTAAAA-3'

ClinVar aggregate classification (germline): Pathogenic (3 of 4 stars; one submission).

Conditions:
Breast-ovarian cancer, familial, susceptibility to, 1 (BROVCA1). Also called: BRCA1 Hereditary Breast and Ovarian Cancer; OVARIAN CANCER, SUSCEPTIBILITY TO. Identifiers: Orphanet 145, MedGen C2676676, MONDO:0011450, OMIM 604370. Disease mechanism: loss of function.

Submission:

Evidence-based Network for the Interpretation of Germline Mutant Alleles (ENIGMA)
Classification: Pathogenic for Breast-ovarian cancer, familial, susceptibility to, 1. Last evaluated: 2017-12-15. Review status: reviewed by expert panel. Criteria: ENIGMA BRCA1/2 Classification Criteria (2017-06-29). Collection method: curation. Allele origin: germline. Study: ENIGMA.
Comment: Variant allele predicted to encode a truncated non-functional protein.